The following is an entry in ClinVar:

NM_001035.3(RYR2):c.3332G>C (p.Gly1111Ala)

Gene: RYR2 (ryanodine receptor 2; plus strand). Cytogenetic location: 1q43.
Variant type: single nucleotide variant.
Coding change: c.3332G>C on transcript NM_001035.3 (MANE Select); coding-DNA position 3332, G replaced by C.
Protein change: p.Gly1111Ala; replaces glycine 1111 with alanine.
Molecular consequence: missense variant.
Genome position (GRCh38, 1-based): chr1:237,566,684, G>C. VCF-style: chr1-237566684-G-C. GRCh37 (hg19) VCF-style: chr1-237729984-G-C.
Other names: short protein forms G1111A.
Identifiers: ClinVar variation 3011886 (VCV003011886.3), dbSNP rs756533776, ClinGen allele CA086355.
Genomic context (GRCh38, chr1:237,566,684, plus strand): 5'-AGAAGACCTATGCAGTGAAGGCCGGACGGTGGTATTTTGAATTTGAGACGGTCACTGCTG[G>C]AGACATGAGGGTTGGTTGGAGTCGTCCTGGTTGTCAACCGGATCAGGAGCTTGGCTCAGA-3'
Protein context (NP_001026.2, residues 1101-1121): WYFEFETVTA[Gly1111Ala]DMRVGWSRPG

ClinVar aggregate classification (germline): Uncertain significance (1 of 4 stars; one submission).

Conditions:
Catecholaminergic polymorphic ventricular tachycardia 1. Also called: VENTRICULAR TACHYCARDIA, CATECHOLAMINERGIC POLYMORPHIC, 1, WITH OR WITHOUT ATRIAL DYSFUNCTION AND/OR DILATED CARDIOMYOPATHY; VENTRICULAR TACHYCARDIA, STRESS-INDUCED POLYMORPHIC 1; RYR2-Related Catecholaminergic Polymorphic Ventricular Tachycardia. Identifiers: Orphanet 3286, MedGen C1631597, MONDO:0011484, OMIM 604772.

Allele frequency attached by ClinVar (database versions not stated): TOPMed below 0.00001; ExAC 0.00001; gnomAD exomes 0.00001.
gnomAD v4.1: 4 of 1,613,984 alleles (0.00025%); highest among the groups gnomAD compares: Admixed American, 0.0067%; no homozygotes.

Submission:

Labcorp Genetics (formerly Invitae), Labcorp
Classification: Uncertain significance for Catecholaminergic polymorphic ventricular tachycardia 1. Last evaluated: 2022-10-31. Review status: criteria provided, single submitter. Criteria: Invitae Variant Classification Sherloc (09022015). Collection method: clinical testing. Allele origin: germline.
Comment: This sequence change replaces glycine, which is neutral and non-polar, with alanine, which is neutral and non-polar, at codon 1111 of the RYR2 protein (p.Gly1111Ala). In summary, the available evidence is currently insufficient to determine the role of this variant in disease. Therefore, it has been classified as a Variant of Uncertain Significance. Algorithms developed to predict the effect of missense changes on protein structure and function (SIFT, PolyPhen-2, Align-GVGD) all suggest that this variant is likely to be disruptive. This variant has not been reported in the literature in individuals affected with RYR2-related conditions. This variant is present in population databases (rs756533776, gnomAD 0.009%).